The following is an entry in ClinVar:

ClinVar aggregate classification (germline): Uncertain significance (1 of 4 stars; one submission).

Submission:

Ambry Genetics
Classification: Uncertain significance. Last evaluated: 2025-06-04. Review status: criteria provided, single submitter. Criteria: Ambry Variant Classification Scheme 2023. Collection method: clinical testing. Allele origin: germline.
Comment: The p.D1438A variant (also known as c.4313A>C), located in coding exon 12 of the MLH3 gene, results from an A to C substitution at nucleotide position 4313. The aspartic acid at codon 1438 is replaced by alanine, an amino acid with dissimilar properties. This amino acid position is conserved. In addition, the in silico prediction for this alteration is inconclusive. Since supporting evidence is limited at this time, the clinical significance of this alteration remains unclear.

NM_001040108.2(MLH3):c.4313A>C (p.Asp1438Ala)

Gene: MLH3 (mutL homolog 3; minus strand). Cytogenetic location: 14q24.3.
Variant type: single nucleotide variant.
Coding change: c.4313A>C on transcript NM_001040108.2 (MANE Select); coding-DNA position 4313, A replaced by C.
Protein change: p.Asp1438Ala; replaces aspartic acid 1438 with alanine.
Molecular consequence: missense variant.
Genome position (GRCh38, 1-based): chr14:75,017,131, T>G on the plus strand (A>C on the coding strand, the complement: MLH3 is on the minus strand). VCF-style: chr14-75017131-T-G. GRCh37 (hg19) VCF-style: chr14-75483834-T-G.
Other names: c.4241A>C, p.Asp1414Ala (NM_014381.3); short protein forms D1438A, D1414A.
Identifiers: ClinVar variation 2448650 (VCV002448650.3), dbSNP rs2503032310, ClinGen allele CA390417769.